The following is an entry in ClinVar:

ClinVar aggregate classification (germline): Conflicting classifications of pathogenicity. Review status: criteria provided, conflicting classifications (1 of 4 stars). 3 submissions from 3 submitters: Uncertain significance (1); Likely benign (2). Last evaluated 2024-03-24.

Conditions:
Chuvash polycythemia. Also called: POLYCYTHEMIA, VHL-DEPENDENT. Identifiers: Orphanet 238557, MedGen C1837915, MONDO:0009892, OMIM 263400.
Pheochromocytoma. Also called: MAX-Related Hereditary Paraganglioma-Pheochromocytoma Syndrome. Identifiers: Orphanet 29072, MedGen C0031511, MONDO:0008233, OMIM 171300, HP:0002666.
Nonpapillary renal cell carcinoma. Identifiers: Orphanet 422526, MedGen CN074294, MONDO:0007763, OMIM 144700.
Von Hippel-Lindau syndrome (VHLS). Also called: Von Hippel-Lindau; von Hippel–Lindau syndrome; VHL syndrome. Identifiers: Orphanet 892, MedGen C0019562, MONDO:0008667, OMIM 193300. Disease mechanism: loss of function.

gnomAD v4.1: 1 of 1,536,232 alleles (0.000065%); highest among the groups gnomAD compares: Non-Finnish European, 0.000088%; no homozygotes.

Submissions (3):

All of Us Research Program, National Institutes of Health
Classification: Uncertain significance for Von Hippel-Lindau syndrome. Last evaluated: 2024-03-24. Review status: criteria provided, single submitter. Criteria: ACMG Guidelines, 2015. Collection method: clinical testing. Allele origin: germline. Inheritance: Autosomal dominant inheritance. Observed: 1 variant allele, 1 heterozygote.
Comment: This variant causes a C to T nucleotide substitution at the -10 position of the 5' untranslated region in the VHL gene. To our knowledge, functional studies have not been reported for this variant. This variant has not been reported in individuals affected with VHL-related disorders in the literature. This variant has not been identified in the general population by the Genome Aggregation Database (gnomAD). The available evidence is insufficient to determine the role of this variant in disease conclusively. Therefore, this variant is classified as a Variant of Uncertain Significance.

This study involves interpretation of variants in research participants for the purpose of population health screening. Participant phenotype was not available at the time of variant classification. Additional details can be found in publication PMID: 35346344, PMCID: PMC8962531

Fulgent Genetics
Classification: Likely benign for Nonpapillary renal cell carcinoma; Pheochromocytoma; Von Hippel-Lindau syndrome; Chuvash polycythemia. Last evaluated: 2021-12-08. Review status: criteria provided, single submitter. Criteria: ACMG Guidelines, 2015. Collection method: clinical testing. Allele origin: unknown.

GeneDx
Classification: Likely benign. Last evaluated: 2017-06-26. Review status: criteria provided, single submitter. Criteria: GeneDx Variant Classification (06012015). Collection method: clinical testing. Allele origin: germline. Affected: yes.
Comment: This variant is considered likely benign or benign based on one or more of the following criteria: it is a conservative change, it occurs at a poorly conserved position in the protein, it is predicted to be benign by multiple in silico algorithms, and/or has population frequency not consistent with disease.

NM_000551.4(VHL):c.-10C>T

Gene: VHL (von Hippel-Lindau tumor suppressor; plus strand). Cytogenetic location: 3p25.3.
Variant type: single nucleotide variant.
Coding change: c.-10C>T on transcript NM_000551.4 (MANE Select); 10 bases upstream of the start codon, C replaced by T.
Molecular consequence: 5 prime UTR variant.
Genome position (GRCh38, 1-based): chr3:10,141,838, C>T. VCF-style: chr3-10141838-C-T. GRCh37 (hg19) VCF-style: chr3-10183522-C-T.
Other names: c.-10C>T (NM_001354723.2, NM_198156.3).
Identifiers: ClinVar variation 510481 (VCV000510481.3), dbSNP rs1192379474, ClinGen allele CA541213514.